The following is an entry in ClinVar:

NM_001042492.3(NF1):c.1031T>C (p.Leu344Pro)

Gene: NF1 (neurofibromin 1; plus strand). Cytogenetic location: 17q11.2.
Variant type: single nucleotide variant.
Coding change: c.1031T>C on transcript NM_001042492.3 (MANE Select); coding-DNA position 1031, T replaced by C.
Protein change: p.Leu344Pro; replaces leucine 344 with proline.
Molecular consequence: missense variant.
Genome position (GRCh38, 1-based): chr17:31,200,564, T>C. VCF-style: chr17-31200564-T-C. GRCh37 (hg19) VCF-style: chr17-29527582-T-C.
Other names: c.1031T>C, p.Leu344Pro (NM_000267.4, NM_001128147.3); short protein forms L344P.
Identifiers: ClinVar variation 3237914 (VCV003237914.3), dbSNP rs2544794267.

ClinVar aggregate classification (germline): Uncertain significance. Review status: criteria provided, multiple submitters, no conflicts (2 of 4 stars). 2 submissions from 2 submitters: Uncertain significance (2). Last evaluated 2024-07-19.

Conditions:
Hereditary cancer-predisposing syndrome. Also called: Hereditary Cancer Syndrome; Tumor predisposition; Neoplastic Syndromes, Hereditary; Hereditary neoplastic syndrome. Identifiers: Orphanet 140162, MedGen C0027672, MeSH D009386, MONDO:0015356.
Cardiovascular phenotype. Identifiers: MedGen CN230736.
Neurofibromatosis, type 1 (NF1). Also called: VON RECKLINGHAUSEN DISEASE; Neurofibromatosis, type I; NEUROFIBROMATOSIS, TYPE I, SOMATIC; Peripheral type neurofibromatosis. Identifiers: Orphanet 636, MedGen C0027831, MONDO:0018975, OMIM 162200. Disease mechanism: loss of function.

Submissions (2):

Labcorp Genetics (formerly Invitae), Labcorp
Classification: Uncertain significance for Neurofibromatosis, type 1. Last evaluated: 2024-07-19. Review status: criteria provided, single submitter. Criteria: Invitae Variant Classification Sherloc (09022015). Collection method: clinical testing. Allele origin: germline.
Comment: This sequence change replaces leucine, which is neutral and non-polar, with proline, which is neutral and non-polar, at codon 344 of the NF1 protein (p.Leu344Pro). This variant is not present in population databases (gnomAD no frequency). This variant has not been reported in the literature in individuals affected with NF1-related conditions. Advanced modeling of protein sequence and biophysical properties (such as structural, functional, and spatial information, amino acid conservation, physicochemical variation, residue mobility, and thermodynamic stability) has been performed at Invitae for this missense variant, however the output from this modeling did not meet the statistical confidence thresholds required to predict the impact of this variant on NF1 protein function. In summary, the available evidence is currently insufficient to determine the role of this variant in disease. Therefore, it has been classified as a Variant of Uncertain Significance.

Ambry Genetics
Classification: Uncertain significance for Cardiovascular phenotype; Hereditary cancer-predisposing syndrome. Last evaluated: 2023-09-29. Review status: criteria provided, single submitter. Criteria: Ambry Variant Classification Scheme 2023. Collection method: clinical testing. Allele origin: germline.
Comment: The p.L344P variant (also known as c.1031T>C), located in coding exon 9 of the NF1 gene, results from a T to C substitution at nucleotide position 1031. The leucine at codon 344 is replaced by proline, an amino acid with similar properties. This amino acid position is conserved. In addition, the in silico prediction for this alteration is inconclusive. Since supporting evidence is limited at this time, the clinical significance of this alteration remains unclear.